The following is an entry in ClinVar:

NM_004525.3(LRP2):c.9284A>G (p.Asn3095Ser)

Gene: LRP2 (LDL receptor related protein 2; minus strand). Cytogenetic location: 2q31.1.
Variant type: single nucleotide variant.
Coding change: c.9284A>G on transcript NM_004525.3 (MANE Select); coding-DNA position 9284, A replaced by G.
Protein change: p.Asn3095Ser; replaces asparagine 3095 with serine.
Molecular consequence: missense variant.
Genome position (GRCh38, 1-based): chr2:169,188,014, T>C on the plus strand (A>G on the coding strand, the complement: LRP2 is on the minus strand). VCF-style: chr2-169188014-T-C. GRCh37 (hg19) VCF-style: chr2-170044524-T-C.
Other names: short protein forms N3095S.
Identifiers: ClinVar variation 1509943 (VCV001509943.24), dbSNP rs777646211, ClinGen allele CA1953624.

ClinVar aggregate classification (germline): Uncertain significance. Review status: criteria provided, multiple submitters, no conflicts (2 of 4 stars). 2 submissions from 2 submitters: Uncertain significance (2). Last evaluated 2024-03-01.

Allele frequency attached by ClinVar (database versions not stated): ExAC 0.00001; gnomAD 0.00001; gnomAD exomes 0.00001 and 0.00002; TOPMed 0.00001.
gnomAD v4.1: 33 of 1,614,014 alleles (0.002%); highest among the groups gnomAD compares: Non-Finnish European, 0.0027%; no homozygotes.

Submissions (2):

CeGaT Center for Human Genetics Tuebingen
Classification: Uncertain significance. Last evaluated: 2024-03-01. Review status: criteria provided, single submitter. Criteria: CeGaT Center For Human Genetics Tuebingen Variant Classification Criteria Version 2. Collection method: clinical testing. Allele origin: germline. Affected: yes. Observed: 1 variant allele.
Comment: LRP2: PM2

Labcorp Genetics (formerly Invitae), Labcorp
Classification: Uncertain significance. Last evaluated: 2022-06-15. Review status: criteria provided, single submitter. Criteria: Invitae Variant Classification Sherloc (09022015). Collection method: clinical testing. Allele origin: germline.
Comment: This sequence change replaces asparagine, which is neutral and polar, with serine, which is neutral and polar, at codon 3095 of the LRP2 protein (p.Asn3095Ser). This variant is present in population databases (rs777646211, gnomAD 0.002%). This variant has not been reported in the literature in individuals affected with LRP2-related conditions. Advanced modeling of protein sequence and biophysical properties (such as structural, functional, and spatial information, amino acid conservation, physicochemical variation, residue mobility, and thermodynamic stability) performed at Invitae indicates that this missense variant is expected to disrupt LRP2 protein function. Algorithms developed to predict the effect of sequence changes on RNA splicing suggest that this variant may create or strengthen a splice site. In summary, the available evidence is currently insufficient to determine the role of this variant in disease. Therefore, it has been classified as a Variant of Uncertain Significance.